The following is an entry in ClinVar:

NM_000548.5(TSC2):c.1346T>A (p.Met449Lys)

Gene: TSC2 (TSC complex subunit 2; plus strand). Cytogenetic location: 16p13.3.
Variant type: single nucleotide variant.
Coding change: c.1346T>A on transcript NM_000548.5 (MANE Select); coding-DNA position 1346, T replaced by A.
Protein change: p.Met449Lys; replaces methionine 449 with lysine.
Molecular consequence: missense variant.
Genome position (GRCh38, 1-based): chr16:2,062,585, T>A. VCF-style: chr16-2062585-T-A. GRCh37 (hg19) VCF-style: chr16-2112586-T-A.
Other names: c.1346T>A, p.Met449Lys (NM_001077183.3, NM_001114382.3, NM_001363528.2 and 3 more transcripts); c.1235T>A, p.Met412Lys (NM_001318827.2); c.1199T>A, p.Met400Lys (NM_001318829.2); c.746T>A, p.Met249Lys (NM_001318831.2); c.1379T>A, p.Met460Lys (NM_001318832.2); short protein forms M449K, M400K, M249K, M412K, M460K.
Identifiers: ClinVar variation 380647 (VCV000380647.9), dbSNP rs1057520875, ClinGen allele CA16606926.

ClinVar aggregate classification (germline): Uncertain significance. Review status: criteria provided, multiple submitters, no conflicts (2 of 4 stars). 3 submissions from 3 submitters: Uncertain significance (3). Last evaluated 2025-12-02.

Conditions:
Hereditary cancer-predisposing syndrome. Also called: Hereditary neoplastic syndrome; Tumor predisposition; Neoplastic Syndromes, Hereditary; Hereditary Cancer Syndrome. Identifiers: Orphanet 140162, MedGen C0027672, MeSH D009386, MONDO:0015356.
Tuberous sclerosis 2 (TSC2). Identifiers: Orphanet 805, MedGen C1860707, MONDO:0013199, OMIM 613254.

Submissions (3):

Ambry Genetics
Classification: Uncertain significance for Hereditary cancer-predisposing syndrome. Last evaluated: 2025-12-02. Review status: criteria provided, single submitter. Criteria: Ambry Variant Classification Scheme 2023. Collection method: clinical testing. Allele origin: germline.
Comment: The p.M449K variant (also known as c.1346T>A), located in coding exon 12 of the TSC2 gene, results from a T to A substitution at nucleotide position 1346. The methionine at codon 449 is replaced by lysine, an amino acid with similar properties. This amino acid position is highly conserved in available vertebrate species. In addition, this alteration is predicted to be deleterious by in silico analysis. Based on the available evidence, the clinical significance of this variant remains unclear.

Labcorp Genetics (formerly Invitae), Labcorp
Classification: Uncertain significance for Tuberous sclerosis 2. Last evaluated: 2023-12-30. Review status: criteria provided, single submitter. Criteria: Invitae Variant Classification Sherloc (09022015). Collection method: clinical testing. Allele origin: germline.
Comment: This sequence change replaces methionine, which is neutral and non-polar, with lysine, which is basic and polar, at codon 449 of the TSC2 protein (p.Met449Lys). This variant is not present in population databases (gnomAD no frequency). This variant has not been reported in the literature in individuals affected with TSC2-related conditions. ClinVar contains an entry for this variant (Variation ID: 380647). Advanced modeling of protein sequence and biophysical properties (such as structural, functional, and spatial information, amino acid conservation, physicochemical variation, residue mobility, and thermodynamic stability) performed at Invitae indicates that this missense variant is not expected to disrupt TSC2 protein function with a negative predictive value of 95%. In summary, the available evidence is currently insufficient to determine the role of this variant in disease. Therefore, it has been classified as a Variant of Uncertain Significance.

GeneDx
Classification: Uncertain significance. Last evaluated: 2019-05-03. Review status: criteria provided, single submitter. Criteria: GeneDx Variant Classification Process June 2021. Collection method: clinical testing. Allele origin: germline. Affected: yes.
Comment: Not observed in large population cohorts (Lek et al., 2016); In silico analysis, which includes protein predictors and evolutionary conservation, supports a deleterious effect; Has not been previously published as pathogenic or benign to our knowledge